The following is an entry in ClinVar:

NM_001385079.1(PDE10A):c.2296A>T (p.Thr766Ser)

Gene: PDE10A (phosphodiesterase 10A; minus strand). Cytogenetic location: 6q27.
Variant type: single nucleotide variant.
Coding change: c.2296A>T on transcript NM_001385079.1 (MANE Select); coding-DNA position 2296, A replaced by T.
Protein change: p.Thr766Ser; replaces threonine 766 with serine.
Molecular consequence: missense variant.
Genome position (GRCh38, 1-based): chr6:165,395,188, T>A on the plus strand (A>T on the coding strand, the complement: PDE10A is on the minus strand). VCF-style: chr6-165395188-T-A. GRCh37 (hg19) VCF-style: chr6-165808677-T-A.
Other names: c.1498A>T, p.Thr500Ser (NM_001130690.3); c.1468A>T, p.Thr490Ser (NM_006661.4); short protein forms T490S, T500S, T766S.
Identifiers: ClinVar variation 3366352 (VCV003366352.1).

ClinVar aggregate classification (germline): Uncertain significance (1 of 4 stars; one submission).

gnomAD v4.1: 2 of 1,609,468 alleles (0.00012%); highest among the groups gnomAD compares: Non-Finnish European, 0.00017%; no homozygotes.

Submission:

Women's Health and Genetics/Laboratory Corporation of America, LabCorp
Classification: Uncertain significance. Last evaluated: 2024-08-09. Review status: criteria provided, single submitter. Criteria: LabCorp Variant Classification Summary - May 2015. Collection method: clinical testing. Allele origin: germline.
Comment: Variant summary: PDE10A c.1498A>T (p.Thr500Ser) results in a conservative amino acid change located in the 3'5'-cyclic nucleotide phosphodiesterase, catalytic domain (IPR002073) of the encoded protein sequence. Three of four in-silico tools predict a benign effect of the variant on protein function. The variant was absent in 250926 control chromosomes (gnomAD v2.1). The available data on variant occurrences in the general population are insufficient to allow any conclusion about variant significance. To our knowledge, no occurrence of c.1498A>T in individuals affected with PDE10A-Related Disorders and no experimental evidence demonstrating its impact on protein function have been reported. No submitters have cited clinical-significance assessments for this variant to ClinVar. Based on the evidence outlined above, the variant was classified as uncertain significance.